The following is an entry in ClinVar:

ClinVar aggregate classification (germline): Likely benign. Review status: criteria provided, multiple submitters, no conflicts (2 of 4 stars). 3 submissions from 3 submitters: Likely benign (3). Last evaluated 2024-05-01.

Conditions:
Cardiovascular phenotype. Identifiers: MedGen CN230736.

Allele frequency attached by ClinVar (database versions not stated): gnomAD exomes below 0.00001; ExAC 0.00001; gnomAD 0.00001; TOPMed 0.00001; ESP Exome Variant Server 0.00008.
gnomAD v4.1: 3 of 1,613,968 alleles (0.00019%); highest among the groups gnomAD compares: Non-Finnish European, 0.00017%; no homozygotes.

Submissions (3):

CeGaT Center for Human Genetics Tuebingen
Classification: Likely benign. Last evaluated: 2024-05-01. Review status: criteria provided, single submitter. Criteria: CeGaT Center For Human Genetics Tuebingen Variant Classification Criteria Version 2. Collection method: clinical testing. Allele origin: germline. Affected: yes. Observed: 1 variant allele.
Comment: KCND3: BP4, BP7

Ambry Genetics
Classification: Likely benign for Cardiovascular phenotype. Last evaluated: 2020-02-02. Review status: criteria provided, single submitter. Criteria: Ambry Variant Classification Scheme 2023. Collection method: clinical testing. Allele origin: germline.

GeneDx
Classification: Likely benign. Last evaluated: 2017-01-30. Review status: criteria provided, single submitter. Criteria: GeneDx Variant Classification (06012015). Collection method: clinical testing. Allele origin: germline. Affected: yes.
Comment: This variant is considered likely benign or benign based on one or more of the following criteria: it is a conservative change, it occurs at a poorly conserved position in the protein, it is predicted to be benign by multiple in silico algorithms, and/or has population frequency not consistent with disease.

NM_001378969.1(KCND3):c.528C>G (p.Pro176=)

Gene: KCND3 (potassium voltage-gated channel subfamily D member 3; minus strand). Cytogenetic location: 1p13.2.
Variant type: single nucleotide variant.
Coding change: c.528C>G on transcript NM_001378969.1 (MANE Select); coding-DNA position 528, C replaced by G.
Protein change: p.Pro176=; no amino-acid change (proline 176 retained).
Molecular consequence: synonymous variant.
Genome position (GRCh38, 1-based): chr1:111,982,199, G>C on the plus strand (C>G on the coding strand, the complement: KCND3 is on the minus strand). VCF-style: chr1-111982199-G-C. GRCh37 (hg19) VCF-style: chr1-112524821-G-C.
Other names: c.528C>G, p.Pro176= (NM_001378970.1, NM_004980.5, NM_172198.3).
Identifiers: ClinVar variation 507053 (VCV000507053.22), dbSNP rs370342092, ClinGen allele CA1007588.